The following is an entry in ClinVar:

NM_022089.4(ATP13A2):c.1236G>T (p.Leu412Phe)

Gene: ATP13A2 (ATPase cation transporting 13A2; minus strand). Cytogenetic location: 1p36.13.
Variant type: single nucleotide variant.
Coding change: c.1236G>T on transcript NM_022089.4 (MANE Select); coding-DNA position 1236, G replaced by T.
Protein change: p.Leu412Phe; replaces leucine 412 with phenylalanine.
Molecular consequence: missense variant.
Genome position (GRCh38, 1-based): chr1:16,996,456, C>A on the plus strand (G>T on the coding strand, the complement: ATP13A2 is on the minus strand). VCF-style: chr1-16996456-C-A. GRCh37 (hg19) VCF-style: chr1-17322951-C-A.
Other names: c.1221G>T, p.Leu407Phe (NM_001141973.3, NM_001141974.3); short protein forms L412F, L407F.
Identifiers: ClinVar variation 1757047 (VCV001757047.2), dbSNP rs1445295652, ClinGen allele CA338254715.

ClinVar aggregate classification (germline): Uncertain significance (1 of 4 stars; one submission).

Conditions:
Inborn genetic diseases. Identifiers: MedGen C0950123, MeSH D030342.

Allele frequency attached by ClinVar (database versions not stated): TOPMed 0.00001.
gnomAD v4.1: 3 of 1,614,070 alleles (0.00019%); highest among the groups gnomAD compares: Admixed American, 0.005%; no homozygotes.

Submission:

Ambry Genetics
Classification: Uncertain significance for Inborn genetic diseases. Last evaluated: 2019-12-02. Review status: criteria provided, single submitter. Criteria: Ambry Variant Classification Scheme 2023. Collection method: clinical testing. Allele origin: germline.
Comment: The p.L412F variant (also known as c.1236G>T), located in coding exon 13 of the ATP13A2 gene, results from a G to T substitution at nucleotide position 1236. The leucine at codon 412 is replaced by phenylalanine, an amino acid with highly similar properties. This amino acid position is highly conserved in available vertebrate species. In addition, the in silico prediction for this alteration is inconclusive. Since supporting evidence is limited at this time, the clinical significance of this alteration remains unclear.